The following is an entry in ClinVar:

ClinVar aggregate classification (germline): Uncertain significance (1 of 4 stars; one submission).

Allele frequency attached by ClinVar (database versions not stated): gnomAD exomes below 0.00001.
gnomAD v4.1: 1 of 1,568,658 alleles (0.000064%); highest among the groups gnomAD compares: Non-Finnish European, 0.000086%; no homozygotes.

Submission:

Ambry Genetics
Classification: Uncertain significance. Last evaluated: 2024-03-02. Review status: criteria provided, single submitter. Criteria: Ambry Variant Classification Scheme 2023. Collection method: clinical testing. Allele origin: germline.
Comment: The p.Y147H variant (also known as c.439T>C), located in coding exon 1 of the TERF2IP gene, results from a T to C substitution at nucleotide position 439. The tyrosine at codon 147 is replaced by histidine, an amino acid with similar properties. This amino acid position is conserved. In addition, the in silico prediction for this alteration is inconclusive. Since supporting evidence is limited at this time, the clinical significance of this alteration remains unclear.

NM_018975.4(TERF2IP):c.439T>C (p.Tyr147His)

Gene: TERF2IP (TERF2 interacting protein; plus strand). Cytogenetic location: 16q23.1.
Variant type: single nucleotide variant.
Coding change: c.439T>C on transcript NM_018975.4 (MANE Select); coding-DNA position 439, T replaced by C.
Protein change: p.Tyr147His; replaces tyrosine 147 with histidine.
Molecular consequence: missense variant. On other transcripts: non-coding transcript variant (1).
Genome position (GRCh38, 1-based): chr16:75,648,321, T>C. VCF-style: chr16-75648321-T-C. GRCh37 (hg19) VCF-style: chr16-75682219-T-C.
Other names: short protein forms Y147H.
Identifiers: ClinVar variation 1740291 (VCV001740291.2), dbSNP rs2507074236, ClinGen allele CA396817906.
Genomic context (GRCh38, chr16:75,648,321, plus strand): 5'-CCGCAGCGGCACGCCGGGCGGATCGCCTTCACGGATGCGGACGACGTAGCCATCCTTACC[T>C]ACGTGAAGGAAAATGCCCGCTCGCCCAGCTCCGTCACCGGTAACGCCTTGTGGAAAGCGA-3'
Protein context (NP_061848.2, residues 137-157): TDADDVAILT[Tyr147His]VKENARSPSS